The following is an entry in ClinVar:

NM_002439.5(MSH3):c.2020G>A (p.Glu674Lys)

Gene: MSH3 (mutS homolog 3; plus strand). Cytogenetic location: 5q14.1.
Variant type: single nucleotide variant.
Coding change: c.2020G>A on transcript NM_002439.5 (MANE Select); coding-DNA position 2020, G replaced by A.
Protein change: p.Glu674Lys; replaces glutamic acid 674 with lysine.
Molecular consequence: missense variant.
Genome position (GRCh38, 1-based): chr5:80,768,056, G>A. VCF-style: chr5-80768056-G-A. GRCh37 (hg19) VCF-style: chr5-80063875-G-A.
Other names: c.2020G>A (NM_002439.3); short protein forms E674K.
Identifiers: ClinVar variation 2861772 (VCV002861772.4), dbSNP rs1158874938, ClinGen allele CA360277769.
Genomic context (GRCh38, chr5:80,768,056, plus strand): 5'-GCAATAATACCTGCTGTTAATTCCCACATTCAGTCAGACTTGCTCCGGACCGTTATTTTA[G>A]AAATTCCTGAACTCCTCAGTCCAGTGGAGCATTACTTAAAGATACTCAATGAACAAGCTG-3'
Protein context (NP_002430.3, residues 664-684): QSDLLRTVIL[Glu674Lys]IPELLSPVEH

ClinVar aggregate classification (germline): Uncertain significance. Review status: criteria provided, multiple submitters, no conflicts (2 of 4 stars). 2 submissions from 2 submitters: Uncertain significance (2). Last evaluated 2025-10-25.

Conditions:
Hereditary cancer-predisposing syndrome. Also called: Hereditary neoplastic syndrome; Tumor predisposition; Neoplastic Syndromes, Hereditary; Hereditary Cancer Syndrome. Identifiers: Orphanet 140162, MedGen C0027672, MeSH D009386, MONDO:0015356.

Allele frequency attached by ClinVar (database versions not stated): gnomAD exomes below 0.00001.
gnomAD v4.1: 1 of 1,613,746 alleles (0.000062%); highest among the groups gnomAD compares: East Asian, 0.0022%; no homozygotes.

Submissions (2):

Labcorp Genetics (formerly Invitae), Labcorp
Classification: Uncertain significance. Last evaluated: 2025-10-25. Review status: criteria provided, single submitter. Criteria: Invitae Variant Classification Sherloc (09022015). Collection method: clinical testing. Allele origin: germline.
Comment: This sequence change replaces glutamic acid, which is acidic and polar, with lysine, which is basic and polar, at codon 674 of the MSH3 protein (p.Glu674Lys). This variant is present in population databases (no rsID available, gnomAD 0.006%). This variant has not been reported in the literature in individuals affected with MSH3-related conditions. ClinVar contains an entry for this variant (Variation ID: 2861772). An algorithm developed to predict the effect of missense changes on protein structure and function (PolyPhen-2) suggests that this variant is likely to be disruptive. In summary, the available evidence is currently insufficient to determine the role of this variant in disease. Therefore, it has been classified as a Variant of Uncertain Significance.

Ambry Genetics
Classification: Uncertain significance for Hereditary cancer-predisposing syndrome. Last evaluated: 2025-01-02. Review status: criteria provided, single submitter. Criteria: Ambry Variant Classification Scheme 2023. Collection method: clinical testing. Allele origin: germline.
Comment: The p.E674K variant (also known as c.2020G>A), located in coding exon 14 of the MSH3 gene, results from a G to A substitution at nucleotide position 2020. The glutamic acid at codon 674 is replaced by lysine, an amino acid with similar properties. This amino acid position is conserved. In addition, the in silico prediction for this alteration is inconclusive. Based on the available evidence, the clinical significance of this variant remains unclear.